The following is an entry in ClinVar:

NM_002541.4(OGDH):c.936-8C>T

Gene: OGDH (oxoglutarate dehydrogenase; plus strand). Cytogenetic location: 7p13.
Variant type: single nucleotide variant.
Coding change: c.936-8C>T on transcript NM_002541.4 (MANE Select); 8 bases into the intron before coding-DNA position 936, C replaced by T.
Molecular consequence: intron variant.
Genome position (GRCh38, 1-based): chr7:44,675,170, C>T. VCF-style: chr7-44675170-C-T. GRCh37 (hg19) VCF-style: chr7-44714769-C-T.
Other names: c.969-8C>T (NM_001363523.2); c.924-8C>T (NM_001165036.2); c.936-8C>T (NM_001003941.3).
Identifiers: ClinVar variation 3051775 (VCV003051775.2), dbSNP rs375075849, ClinGen allele CA4243696.

ClinVar aggregate classification (germline): Likely benign (0 of 4 stars; one submission).

Conditions:
OGDH-related disorder. Also called: OGDH-related condition.

Allele frequency attached by ClinVar (database versions not stated): gnomAD 0.00001; gnomAD exomes 0.00001; ExAC 0.00002; TOPMed 0.00002; ESP Exome Variant Server 0.00008.
gnomAD v4.1: 13 of 1,612,608 alleles (0.00081%); highest among the groups gnomAD compares: East Asian, 0.0067%; no homozygotes.

Submission:

PreventionGenetics, part of Exact Sciences
Classification: Likely benign for OGDH-related condition. Last evaluated: 2022-11-30. Review status: no assertion criteria provided. Collection method: clinical testing. Allele origin: germline.
Comment: This variant is classified as likely benign based on ACMG/AMP sequence variant interpretation guidelines (Richards et al. 2015 PMID: 25741868, with internal and published modifications).